The following is an entry in ClinVar:

ClinVar aggregate classification (germline): Uncertain significance (1 of 4 stars; one submission).

gnomAD v4.1: 6 of 1,613,178 alleles (0.00037%); no homozygotes.

Submission:

Labcorp Genetics (formerly Invitae), Labcorp
Classification: Uncertain significance. Last evaluated: 2024-12-26. Review status: criteria provided, single submitter. Criteria: Invitae Variant Classification Sherloc (09022015). Collection method: clinical testing. Allele origin: germline.
Comment: This sequence change replaces tyrosine, which is neutral and polar, with cysteine, which is neutral and slightly polar, at codon 95 of the KRT5 protein (p.Tyr95Cys). This variant is present in population databases (no rsID available, gnomAD 0.004%). This variant has not been reported in the literature in individuals affected with KRT5-related conditions. Invitae Evidence Modeling of protein sequence and biophysical properties (such as structural, functional, and spatial information, amino acid conservation, physicochemical variation, residue mobility, and thermodynamic stability) indicates that this missense variant is not expected to disrupt KRT5 protein function with a negative predictive value of 95%. In summary, the available evidence is currently insufficient to determine the role of this variant in disease. Therefore, it has been classified as a Variant of Uncertain Significance.

NM_000424.4(KRT5):c.284A>G (p.Tyr95Cys)

Gene: KRT5 (keratin 5; minus strand). Cytogenetic location: 12q13.13.
Variant type: single nucleotide variant.
Coding change: c.284A>G on transcript NM_000424.4 (MANE Select); coding-DNA position 284, A replaced by G.
Protein change: p.Tyr95Cys; replaces tyrosine 95 with cysteine.
Molecular consequence: missense variant.
Genome position (GRCh38, 1-based): chr12:52,520,013, T>C on the plus strand (A>G on the coding strand, the complement: KRT5 is on the minus strand). VCF-style: chr12-52520013-T-C. GRCh37 (hg19) VCF-style: chr12-52913797-T-C.
Other names: short protein forms Y95C.
Identifiers: ClinVar variation 3671206 (VCV003671206.2).